The following is an entry in ClinVar:

ClinVar aggregate classification (germline): Uncertain significance (1 of 4 stars; one submission).

Conditions:
Epileptic encephalopathy. Identifiers: MedGen C0543888, HP:0200134.

Allele frequency attached by ClinVar (database versions not stated): gnomAD exomes below 0.00001; TOPMed below 0.00001; gnomAD 0.00001.

Submission:

Labcorp Genetics (formerly Invitae), Labcorp
Classification: Uncertain significance for Epileptic encephalopathy. Last evaluated: 2024-07-19. Review status: criteria provided, single submitter. Criteria: Invitae Variant Classification Sherloc (09022015). Collection method: clinical testing. Allele origin: germline.
Comment: This sequence change replaces glutamic acid, which is acidic and polar, with lysine, which is basic and polar, at codon 1644 of the FASN protein (p.Glu1644Lys). This variant is not present in population databases (gnomAD no frequency). This variant has not been reported in the literature in individuals affected with FASN-related conditions. ClinVar contains an entry for this variant (Variation ID: 2420069). An algorithm developed to predict the effect of missense changes on protein structure and function (PolyPhen-2) suggests that this variant is likely to be disruptive. In summary, the available evidence is currently insufficient to determine the role of this variant in disease. Therefore, it has been classified as a Variant of Uncertain Significance.

NM_004104.5(FASN):c.4930G>A (p.Glu1644Lys)

Gene: FASN (fatty acid synthase; minus strand). Cytogenetic location: 17q25.3.
Variant type: single nucleotide variant.
Coding change: c.4930G>A on transcript NM_004104.5 (MANE Select); coding-DNA position 4930, G replaced by A.
Protein change: p.Glu1644Lys; replaces glutamic acid 1644 with lysine.
Molecular consequence: missense variant.
Genome position (GRCh38, 1-based): chr17:82,084,143, C>T on the plus strand (G>A on the coding strand, the complement: FASN is on the minus strand). VCF-style: chr17-82084143-C-T. GRCh37 (hg19) VCF-style: chr17-80042019-C-T.
Other names: short protein forms E1644K.
Identifiers: ClinVar variation 2420069 (VCV002420069.6), dbSNP rs2034043790, ClinGen allele CA401541625.